The following is an entry in ClinVar:

NM_032776.3(JMJD1C):c.3860C>G (p.Thr1287Ser)

Gene: JMJD1C (jumonji domain containing 1C; minus strand). Cytogenetic location: 10q21.3.
Variant type: single nucleotide variant.
Coding change: c.3860C>G on transcript NM_032776.3 (MANE Select); coding-DNA position 3860, C replaced by G.
Protein change: p.Thr1287Ser; replaces threonine 1287 with serine.
Molecular consequence: missense variant. On other transcripts: non-coding transcript variant (1).
Genome position (GRCh38, 1-based): chr10:63,207,809, G>C on the plus strand (C>G on the coding strand, the complement: JMJD1C is on the minus strand). VCF-style: chr10-63207809-G-C. GRCh37 (hg19) VCF-style: chr10-64967569-G-C.
Other names: c.3314C>G, p.Thr1105Ser (NM_001282948.2, NM_001318154.2); c.2996C>G, p.Thr999Ser (NM_001318153.2); c.3746C>G, p.Thr1249Ser (NM_001322252.2); c.3203C>G, p.Thr1068Ser (NM_001322254.2, NM_001322258.2); short protein forms T1068S, T1105S, T1249S, T1287S, T999S.
Identifiers: ClinVar variation 1057023 (VCV001057023.9), dbSNP rs924106174, ClinGen allele CA377039942.
Genomic context (GRCh38, chr10:63,207,809, plus strand): 5'-ACAATGACAGATGCCATAGCAGCCTGTAACTTTCCGCTGCTTTTCTCCACATGCCATTCA[G>C]TTTTCTCTTTGCTGAGGTTATTATTAGGTCTCCACATCTCCGTCAAACTCTGTTCTGAAG-3'
Protein context (NP_116165.1, residues 1277-1297): RPNNNLSKEK[Thr1287Ser]EWHVEKSSGK

ClinVar aggregate classification (germline): Uncertain significance (1 of 4 stars; one submission).

Conditions:
Early Myoclonic Encephalopathy. Identifiers: MedGen C0270855.

Allele frequency attached by ClinVar (database versions not stated): gnomAD exomes below 0.00001.
gnomAD v4.1: 2 of 1,614,136 alleles (0.00012%); highest among the groups gnomAD compares: East Asian, 0.0022%; no homozygotes.

Submission:

Labcorp Genetics (formerly Invitae), Labcorp
Classification: Uncertain significance for Early Myoclonic Encephalopathy. Last evaluated: 2024-03-11. Review status: criteria provided, single submitter. Criteria: Invitae Variant Classification Sherloc (09022015). Collection method: clinical testing. Allele origin: germline.
Comment: This sequence change replaces threonine, which is neutral and polar, with serine, which is neutral and polar, at codon 1287 of the JMJD1C protein (p.Thr1287Ser). This variant is present in population databases (no rsID available, gnomAD 0.0009%). This variant has not been reported in the literature in individuals affected with JMJD1C-related conditions. ClinVar contains an entry for this variant (Variation ID: 1057023). Advanced modeling of protein sequence and biophysical properties (such as structural, functional, and spatial information, amino acid conservation, physicochemical variation, residue mobility, and thermodynamic stability) performed at Invitae indicates that this missense variant is not expected to disrupt JMJD1C protein function with a negative predictive value of 80%. In summary, the available evidence is currently insufficient to determine the role of this variant in disease. Therefore, it has been classified as a Variant of Uncertain Significance.